The following is an entry in ClinVar:

NM_001103146.3(GIGYF2):c.2146A>G (p.Thr716Ala)

Gene: GIGYF2 (GRB10 interacting GYF protein 2; plus strand). Cytogenetic location: 2q37.1.
Variant type: single nucleotide variant.
Coding change: c.2146A>G on transcript NM_001103146.3 (MANE Select); coding-DNA position 2146, A replaced by G.
Protein change: p.Thr716Ala; replaces threonine 716 with alanine.
Molecular consequence: missense variant. On other transcripts: non-coding transcript variant (1).
Genome position (GRCh38, 1-based): chr2:232,815,675, A>G. VCF-style: chr2-232815675-A-G. GRCh37 (hg19) VCF-style: chr2-233680385-A-G.
Other names: c.2209A>G, p.Thr737Ala (NM_001103147.2); c.2128A>G, p.Thr710Ala (NM_001103148.2); c.2146A>G, p.Thr716Ala (NM_015575.4); short protein forms T737A, T710A, T716A.
Identifiers: ClinVar variation 1030144 (VCV001030144.1), dbSNP rs1700885234, ClinGen allele CA351021083.

ClinVar aggregate classification (germline): Uncertain significance (1 of 4 stars; one submission).

Conditions:
Parkinson disease 11, autosomal dominant, susceptibility to. Also called: Parkinson disease 11. Identifiers: Orphanet 411602, MedGen C4083045, MONDO:0011896, OMIM 607688.

Submission:

Baylor Genetics
Classification: Uncertain significance for Parkinson disease 11, autosomal dominant, susceptibility to. Last evaluated: 2020-06-03. Review status: criteria provided, single submitter. Criteria: ACMG Guidelines, 2015. Collection method: clinical testing. Allele origin: unknown. Affected: yes.
Comment: This variant was determined to be of uncertain significance according to ACMG Guidelines, 2015 [PMID:25741868].